The following is an entry in ClinVar:

ClinVar aggregate classification (germline): Likely pathogenic. Review status: criteria provided, multiple submitters, no conflicts (2 of 4 stars). 2 submissions from 2 submitters: Likely pathogenic (2). Last evaluated 2024-03-17.

Conditions:
Hypomyelination and Congenital Cataract (HLD5). Also called: hypomyelinating leukodystrophy 5. Identifiers: Orphanet 85163, MedGen C1864663, MONDO:0012514, OMIM 610532.

Submissions (2):

Genomic Medicine Center of Excellence, King Faisal Specialist Hospital and Research Centre
Classification: Likely pathogenic for Hypomyelination and Congenital Cataract. Last evaluated: 2024-03-17. Review status: criteria provided, single submitter. Criteria: ACMG Guidelines, 2015. Collection method: research. Allele origin: germline.

Molecular Diagnostics Lab, Nemours Children's Health, Delaware
Classification: Likely pathogenic for Hypomyelination and Congenital Cataract. Last evaluated: 2021-07-16. Review status: criteria provided, single submitter. Criteria: ACMG Guidelines, 2015. Collection method: clinical testing. Allele origin: unknown. Inheritance: Autosomal recessive inheritance. Affected: yes and no. Observed: 2 heterozygotes, 1 homozygote.
Comment: This nonsense variant (c.145C>T, p.GLn49*) has not been observed in population databases (gnomAD) and has not been published in the literature.

NM_032581.4(HYCC1):c.145C>T (p.Gln49Ter)

Gene: HYCC1 (hyccin PI4KA lipid kinase complex subunit 1; minus strand). Cytogenetic location: 7p15.3.
Variant type: single nucleotide variant.
Coding change: c.145C>T on transcript NM_032581.4 (MANE Select); coding-DNA position 145, C replaced by T.
Protein change: p.Gln49Ter; replaces glutamine 49 with a stop codon.
Molecular consequence: nonsense.
Genome position (GRCh38, 1-based): chr7:22,983,952, G>A on the plus strand (C>T on the coding strand, the complement: HYCC1 is on the minus strand). VCF-style: chr7-22983952-G-A. GRCh37 (hg19) VCF-style: chr7-23023571-G-A.
Other names: c.145C>T, p.Gln49Ter (NM_001363466.2, NM_001363467.2); short protein forms Q49*.
Identifiers: ClinVar variation 3064074 (VCV003064074.4), dbSNP rs2534462531, ClinGen allele CA366978683.